The following is an entry in ClinVar:

NM_000334.4(SCN4A):c.4097A>G (p.Asn1366Ser)

Genes: GH-LCR (growth hormone locus control region; plus strand), SCN4A (sodium voltage-gated channel alpha subunit 4; minus strand). Cytogenetic location: 17q23.3.
Variant type: single nucleotide variant.
Coding change: c.4097A>G on transcript NM_000334.4 (MANE Select); coding-DNA position 4097, A replaced by G.
Protein change: p.Asn1366Ser; replaces asparagine 1366 with serine.
Molecular consequence: missense variant.
Genome position (GRCh38, 1-based): chr17:63,943,017, T>C on the plus strand (A>G on the coding strand, the complement: SCN4A is on the minus strand). VCF-style: chr17-63943017-T-C. GRCh37 (hg19) VCF-style: chr17-62020377-T-C.
Other names: short protein forms N1366S.
Identifiers: ClinVar variation 4689795 (VCV004689795.3).

ClinVar aggregate classification (germline): Pathogenic/Likely pathogenic. Review status: criteria provided, multiple submitters, no conflicts (2 of 4 stars). 3 submissions from 3 submitters: Pathogenic (1); Likely pathogenic (2). Last evaluated 2025-09-02.

Conditions:
Hyperkalemic periodic paralysis. Also called: Familial hyperkalemic periodic paralysis; Gamstorp disease. Identifiers: Orphanet 682, MedGen C0238357, MONDO:0008224, OMIM 170500, HP:0007215.
Paramyotonia congenita of Von Eulenburg. Also called: PARALYSIS PERIODICA PARAMYOTONICA; Eulenburg disease; Myotonia congenita intermittens; Von Eulenburg paramyotonia congenita; Paramyotonia Congenita. Identifiers: Orphanet 684, MedGen C0221055, MONDO:0008195, OMIM 168300. Disease mechanism: loss of function.

Submissions (3):

3billion
Classification: Likely pathogenic for Paramyotonia congenita of Von Eulenburg. Last evaluated: 2025-09-02. Review status: criteria provided, single submitter. Criteria: ACMG Guidelines, 2015. Collection method: clinical testing. Allele origin: germline. Affected: yes.
Comment: The variant is not observed in the gnomAD v4.1.0 dataset. Predicted Consequence/Location: Missense variant Functional studies provide moderate evidence of the variant having a damaging effect on the gene or gene product (PMID: 28940424). In silico tool predictions suggest damaging effect of the variant on gene or gene product [REVEL: 0.92 (>=0.6, sensitivity 0.68 and specificity 0.92); 3Cnet: 0.15 (> 0.75, sensitivity 0.96 and precision 0.92)]. The same nucleotide change resulting in the same amino acid change has been previously reported to be associated with SCN4A-related disorder (PMID: 28940424).A different missense change at the same codon (p.Asn1366Lys) has been reported to be associated with SCN4A-related disorder (ClinVar ID: VCV001487760). Therefore, this variant is classified as Likely pathogenic according to the recommendation of ACMG/AMP guideline.

GeneDx
Classification: Likely pathogenic. Last evaluated: 2025-07-23. Review status: criteria provided, single submitter. Criteria: GeneDx Variant Classification Process June 2021. Collection method: clinical testing. Allele origin: germline. Affected: yes.
Comment: Published functional studies suggest a hyperpolarizing shift in voltage dependence of activation with colder temperatures as well as depolarizing shift and reduced rate in fast activation (PMID: 28940424); In silico analysis supports that this missense variant has a deleterious effect on protein structure/function; Additionally, in silico analysis suggests this variant may impact gene splicing. In the absence of RNA/functional studies, the actual effect of this sequence change is unknown.; Not observed at significant frequency in large population cohorts (gnomAD); This variant is associated with the following publications: (PMID: 28940424)

Labcorp Genetics (formerly Invitae), Labcorp
Classification: Pathogenic for Hyperkalemic periodic paralysis. Last evaluated: 2025-04-18. Review status: criteria provided, single submitter. Criteria: Invitae Variant Classification Sherloc (09022015). Collection method: clinical testing. Allele origin: germline.
Comment: This sequence change replaces asparagine, which is neutral and polar, with serine, which is neutral and polar, at codon 1366 of the SCN4A protein (p.Asn1366Ser). This variant is not present in population databases (gnomAD no frequency). This missense change has been observed in individual(s) with paramyotonia congenita (PMID: 28940424). It has also been observed to segregate with disease in related individuals. Invitae Evidence Modeling of protein sequence and biophysical properties (such as structural, functional, and spatial information, amino acid conservation, physicochemical variation, residue mobility, and thermodynamic stability) indicates that this missense variant is expected to disrupt SCN4A protein function with a positive predictive value of 95%. Experimental studies have shown that this missense change affects SCN4A function (PMID: 28940424). For these reasons, this variant has been classified as Pathogenic.

Literature cited by the submitters: PubMed 28940424 (cited by 3billion and Labcorp Genetics (formerly Invitae), Labcorp).